The following is an entry in ClinVar:

NM_022464.5(SIL1):c.1286A>T (p.Tyr429Phe)

Gene: SIL1 (SIL1 nucleotide exchange factor; minus strand). Cytogenetic location: 5q31.2.
Variant type: single nucleotide variant.
Coding change: c.1286A>T on transcript NM_022464.5 (MANE Select); coding-DNA position 1286, A replaced by T.
Protein change: p.Tyr429Phe; replaces tyrosine 429 with phenylalanine.
Molecular consequence: missense variant.
Genome position (GRCh38, 1-based): chr5:138,947,217, T>A on the plus strand (A>T on the coding strand, the complement: SIL1 is on the minus strand). VCF-style: chr5-138947217-T-A. GRCh37 (hg19) VCF-style: chr5-138282906-T-A.
Other names: c.1286A>T (NM_022464.4); c.1286A>T, p.Tyr429Phe (NM_001037633.2); short protein forms Y429F.
Identifiers: ClinVar variation 973340 (VCV000973340.4), dbSNP rs994932069, ClinGen allele CA128236276.

ClinVar aggregate classification (germline): Uncertain significance. Review status: criteria provided, multiple submitters, no conflicts (2 of 4 stars). 3 submissions from 3 submitters: Uncertain significance (3). Last evaluated 2022-05-25.

Conditions:
Marinesco-Sjögren syndrome (MSS). Also called: Marinesco-SjÃ¶gren syndrome; Marinesco-Sjogren Syndrome. Identifiers: Orphanet 559, MedGen C0024814, MONDO:0009567, OMIM 248800.
Inborn genetic diseases. Identifiers: MedGen C0950123, MeSH D030342.

Allele frequency attached by ClinVar (database versions not stated): gnomAD 0.00001; gnomAD exomes 0.00002; TOPMed 0.00002.
gnomAD v4.1: 13 of 1,613,178 alleles (0.00081%); highest among the groups gnomAD compares: Admixed American, 0.02%; no homozygotes.

Submissions (3):

Labcorp Genetics (formerly Invitae), Labcorp
Classification: Uncertain significance for Marinesco-Sjögren syndrome. Last evaluated: 2022-05-25. Review status: criteria provided, single submitter. Criteria: Invitae Variant Classification Sherloc (09022015). Collection method: clinical testing. Allele origin: germline.
Comment: This sequence change replaces tyrosine, which is neutral and polar, with phenylalanine, which is neutral and non-polar, at codon 429 of the SIL1 protein (p.Tyr429Phe). This variant is present in population databases (no rsID available, gnomAD 0.03%). This variant has not been reported in the literature in individuals affected with SIL1-related conditions. ClinVar contains an entry for this variant (Variation ID: 973340). Algorithms developed to predict the effect of missense changes on protein structure and function are either unavailable or do not agree on the potential impact of this missense change (SIFT: "Deleterious"; PolyPhen-2: "Probably Damaging"; Align-GVGD: "Class C15"). In summary, the available evidence is currently insufficient to determine the role of this variant in disease. Therefore, it has been classified as a Variant of Uncertain Significance.

Ambry Genetics
Classification: Uncertain significance for Inborn genetic diseases. Last evaluated: 2021-07-26. Review status: criteria provided, single submitter. Criteria: Ambry Variant Classification Scheme 2023. Collection method: clinical testing. Allele origin: germline.

UNC Molecular Genetics  Laboratory, University of North Carolina at Chapel Hill
Classification: Uncertain significance for Marinesco-SjÃ¶gren syndrome. Review status: criteria provided, single submitter. Criteria: ACMG Guidelines, 2015. Collection method: research. Allele origin: germline. Observed: 1 variant allele. Study: CSER_NCGENES_2.
Comment: SIL1 c.1286A>T [p.Y429F] is a missense variant that changes a single amino acid from a tyrosine to a phenylalanine. This is a rare variant present in population databases at low allele frequency (gnomAD); however this variant has not been previously reported in association with Marinesco-Sjogren syndrome and is of uncertain clinical significance.